The following is an entry in ClinVar:

NM_015443.4(KANSL1):c.1871G>A (p.Arg624His)

Gene: KANSL1 (KAT8 regulatory NSL complex subunit 1). Cytogenetic location: 17q21.31.
Variant type: single nucleotide variant.
Coding change: c.1871G>A on transcript NM_015443.4 (MANE Select); coding-DNA position 1871, G replaced by A.
Protein change: p.Arg624His; replaces arginine 624 with histidine.
Molecular consequence: missense variant.
Genome position (GRCh38, 1-based): chr17:46,050,682, C>T on the plus strand (G>A on the coding strand, the complement: KANSL1 is on the minus strand). VCF-style: chr17-46050682-C-T. GRCh37 (hg19) VCF-style: chr17-44128048-C-T.
Other names: c.1871G>A, p.Arg624His (NM_001193465.2, NM_001193466.2, NM_001379198.1 and 14 more transcripts); c.1769G>A, p.Arg590His (NM_001405859.1, NM_001405881.1, NM_001405860.1 and 1 more transcripts); c.605G>A, p.Arg202His (NM_001405882.1, NM_001405883.1, NM_001405884.1 and 1 more transcripts); short protein forms R590H, R202H, R624H.
Identifiers: ClinVar variation 2896275 (VCV002896275.4), dbSNP rs774078834, ClinGen allele CA8618690.

ClinVar aggregate classification (germline): Uncertain significance. Review status: criteria provided, multiple submitters, no conflicts (2 of 4 stars). 2 submissions from 2 submitters: Uncertain significance (2). Last evaluated 2024-03-17.

Conditions:
Koolen-de Vries syndrome (KDVS). Identifiers: Orphanet 96169, MedGen C1864871, MONDO:0012496, OMIM 610443.

Allele frequency attached by ClinVar (database versions not stated): ExAC 0.00001; gnomAD 0.00001.
gnomAD v4.1: 63 of 1,613,656 alleles (0.0039%); highest among the groups gnomAD compares: Non-Finnish European, 0.0053%; no homozygotes.

Submissions (2):

Fulgent Genetics
Classification: Uncertain significance for Koolen-de Vries syndrome. Last evaluated: 2024-03-17. Review status: criteria provided, single submitter. Criteria: ACMG Guidelines, 2015. Collection method: clinical testing. Allele origin: germline.

Labcorp Genetics (formerly Invitae), Labcorp
Classification: Uncertain significance for Koolen-de Vries syndrome. Last evaluated: 2023-12-21. Review status: criteria provided, single submitter. Criteria: Invitae Variant Classification Sherloc (09022015). Collection method: clinical testing. Allele origin: germline.
Comment: This sequence change replaces arginine, which is basic and polar, with histidine, which is basic and polar, at codon 624 of the KANSL1 protein (p.Arg624His). This variant is present in population databases (rs774078834, gnomAD 0.002%). This missense change has been observed in individual(s) with clinical features of KANSL1-related conditions (PMID: 33004838). Advanced modeling of protein sequence and biophysical properties (such as structural, functional, and spatial information, amino acid conservation, physicochemical variation, residue mobility, and thermodynamic stability) performed at Invitae indicates that this missense variant is not expected to disrupt KANSL1 protein function with a negative predictive value of 80%. In summary, the available evidence is currently insufficient to determine the role of this variant in disease. Therefore, it has been classified as a Variant of Uncertain Significance.

Literature cited by the submitters: PubMed 33004838 (cited by Labcorp Genetics (formerly Invitae), Labcorp).